The following is an entry in ClinVar:

NM_020832.3(ZNF687):c.861A>T (p.Glu287Asp)

Gene: ZNF687 (zinc finger protein 687; plus strand). Cytogenetic location: 1q21.3.
Variant type: single nucleotide variant.
Coding change: c.861A>T on transcript NM_020832.3 (MANE Select); coding-DNA position 861, A replaced by T.
Protein change: p.Glu287Asp; replaces glutamic acid 287 with aspartic acid.
Molecular consequence: missense variant.
Genome position (GRCh38, 1-based): chr1:151,287,152, A>T. VCF-style: chr1-151287152-A-T. GRCh37 (hg19) VCF-style: chr1-151259628-A-T.
Other names: c.861A>T, p.Glu287Asp (NM_001304763.2, NM_001304764.2); short protein forms E287D.
Identifiers: ClinVar variation 2019706 (VCV002019706.4), dbSNP rs149043825, ClinGen allele CA1088234.

ClinVar aggregate classification (germline): Uncertain significance (1 of 4 stars; one submission).

Allele frequency attached by ClinVar (database versions not stated): ESP Exome Variant Server 0.00008; gnomAD exomes 0.00027; ExAC 0.00027; 1000 Genomes Project 0.00040; 1000 Genomes Project 30x 0.00047.
gnomAD v4.1: 444 of 1,614,140 alleles (0.028%); highest among the groups gnomAD compares: Non-Finnish European, 0.03%; no homozygotes.

Submission:

Labcorp Genetics (formerly Invitae), Labcorp
Classification: Uncertain significance. Last evaluated: 2025-12-19. Review status: criteria provided, single submitter. Criteria: Invitae Variant Classification Sherloc (09022015). Collection method: clinical testing. Allele origin: germline.
Comment: This sequence change replaces glutamic acid, which is acidic and polar, with aspartic acid, which is acidic and polar, at codon 287 of the ZNF687 protein (p.Glu287Asp). This variant is present in population databases (rs149043825, gnomAD 0.04%). This variant has not been reported in the literature in individuals affected with ZNF687-related conditions. ClinVar contains an entry for this variant (Variation ID: 2019706). An algorithm developed to predict the effect of missense changes on protein structure and function (PolyPhen-2) suggests that this variant is likely to be tolerated. In summary, the available evidence is currently insufficient to determine the role of this variant in disease. Therefore, it has been classified as a Variant of Uncertain Significance.